The following is an entry in ClinVar:

ClinVar aggregate classification (germline): Pathogenic (1 of 4 stars; one submission).

Conditions:
Hereditary cancer-predisposing syndrome. Also called: Tumor predisposition; Hereditary Cancer Syndrome; Hereditary neoplastic syndrome; Neoplastic Syndromes, Hereditary. Identifiers: Orphanet 140162, MedGen C0027672, MeSH D009386, MONDO:0015356.

Submission:

Ambry Genetics
Classification: Pathogenic for Hereditary cancer-predisposing syndrome. Last evaluated: 2024-06-07. Review status: criteria provided, single submitter. Criteria: Ambry Variant Classification Scheme 2023. Collection method: clinical testing. Allele origin: germline.
Comment: The c.3187dupA pathogenic mutation, located in coding exon 15 of the APC gene, results from a duplication of A at nucleotide position 3187, causing a translational frameshift with a predicted alternate stop codon (p.S1063Kfs*2). This alteration occurs at the 3' terminus of theAPC gene, is not expected to trigger nonsense-mediated mRNA decay, and impacts the last 62.6% of the protein. However, premature stop codons are typically deleterious in nature and a significant portion of the protein is affected (Ambry internal data). This variant is considered to be rare based on population cohorts in the Genome Aggregation Database (gnomAD). Based on the supporting evidence, this variant is interpreted as a disease-causing mutation.

NM_000038.6(APC):c.3187dup (p.Ser1063fs)

Gene: APC (APC regulator of Wnt signaling pathway; plus strand). Cytogenetic location: 5q22.2.
Variant type: Duplication.
Coding change: c.3187dup on transcript NM_000038.6 (MANE Select); coding-DNA position 3187, one base duplicated (A; older notation c.3187dupA).
Protein change: p.Ser1063fs; shifts the reading frame from serine 1063.
Molecular consequence: frameshift variant. On other transcripts: non-coding transcript variant (2).
Genome position (GRCh38, 1-based): chr5:112,838,781, A duplicated; the last of 3 consecutive A bases (chr5:112,838,779-112,838,781); duplicating any one gives the same sequence. VCF-style (leftmost placement, unchanged base first): chr5-112838778-C-CA. GRCh37 (hg19) VCF-style: chr5-112174475-C-CA.
Other names: c.3187dup, p.Ser1063fs (NM_001127510.3, NM_001354895.2, NM_001407450.1); c.3133dup, p.Ser1045fs (NM_001127511.3); c.3241dup, p.Ser1081fs (NM_001354896.2, NM_001407447.1, NM_001407448.1 and 1 more transcripts); c.3217dup, p.Ser1073fs (NM_001354897.2); c.3112dup, p.Ser1038fs (NM_001354898.2); c.3103dup, p.Ser1035fs (NM_001354899.2); c.3064dup, p.Ser1022fs (NM_001354900.2); c.3010dup, p.Ser1004fs (NM_001354901.2, NM_001407453.1); and 11 more; short protein forms S1004fs, S1056fs, S934fs, S1035fs, S1038fs, S1045fs, S1073fs, S679fs.
Identifiers: ClinVar variation 3305460 (VCV003305460.1).